The following is an entry in ClinVar:

NM_000245.4(MET):c.2265-37C>A

Gene: MET (MET proto-oncogene, receptor tyrosine kinase; plus strand). Cytogenetic location: 7q31.2.
Variant type: single nucleotide variant.
Coding change: c.2265-37C>A on transcript NM_000245.4 (MANE Select); 37 bases into the intron before coding-DNA position 2265, C replaced by A.
Molecular consequence: intron variant. On other transcripts: missense variant (1).
Genome position (GRCh38, 1-based): chr7:116,759,354, C>A. VCF-style: chr7-116759354-C-A. GRCh37 (hg19) VCF-style: chr7-116399408-C-A.
Other names: c.2282C>A, p.Pro761His (NM_001127500.3); c.975-37C>A (NM_001324402.2); c.2265-37C>A (NM_001324401.3); short protein forms P761H.
Identifiers: ClinVar variation 5024413 (VCV005024413.1).

ClinVar aggregate classification (germline): Uncertain significance (1 of 4 stars; one submission).

Conditions:
Hereditary cancer-predisposing syndrome. Also called: Neoplastic Syndromes, Hereditary; Tumor predisposition; Hereditary neoplastic syndrome; Hereditary Cancer Syndrome. Identifiers: Orphanet 140162, MedGen C0027672, MeSH D009386, MONDO:0015356.

Submission:

Ambry Genetics
Classification: Uncertain significance for Hereditary cancer-predisposing syndrome. Last evaluated: 2026-07-27. Review status: criteria provided, single submitter. Criteria: Ambry Variant Classification Scheme 2023. Collection method: clinical testing. Allele origin: germline.
Comment: The p.P761H variant (also known as c.2282C>A), located in coding exon 9 of the MET gene, results from a C to A substitution at nucleotide position 2282. The proline at codon 761 is replaced by histidine, an amino acid with similar properties. This amino acid position is conserved. In addition, this alteration is predicted to be tolerated by in silico analysis. Based on the available evidence, the clinical significance of this variant remains unclear.